The following is an entry in ClinVar:

NM_016203.4(PRKAG2):c.1705G>A (p.Glu569Lys)

Gene: PRKAG2 (protein kinase AMP-activated non-catalytic subunit gamma 2; minus strand). Cytogenetic location: 7q36.1.
Variant type: single nucleotide variant.
Coding change: c.1705G>A on transcript NM_016203.4 (MANE Select); coding-DNA position 1705, G replaced by A.
Protein change: p.Glu569Lys; replaces glutamic acid 569 with lysine.
Molecular consequence: missense variant.
Genome position (GRCh38, 1-based): chr7:151,557,206, C>T on the plus strand (G>A on the coding strand, the complement: PRKAG2 is on the minus strand). VCF-style: chr7-151557206-C-T. GRCh37 (hg19) VCF-style: chr7-151254292-C-T.
Other names: p.E569K:GAG>AAG; c.1573G>A, p.Glu525Lys (NM_001040633.2); c.1330G>A, p.Glu444Lys (NM_001304527.2); c.982G>A, p.Glu328Lys (NM_001304531.2, NM_024429.2); c.1333G>A, p.Glu445Lys (NM_001363698.2); short protein forms E569K, E328K, E445K, E444K, E525K.
Identifiers: ClinVar variation 181482 (VCV000181482.12), dbSNP rs730880983, ClinGen allele CA014005.
Genomic context (GRCh38, chr7:151,557,206, plus strand): 5'-GTGACCCAGAGACTTTGTTCAAGTTCTCCTCCTAGGGCGTCTACATTCACGGCGGTCACT[C>T]CGTTTCTGTCTCCTTTTGTTTGGCACCTGTCAGTGGATGGAAGATGAAAGTTTCAAAGCT-3'
Protein context (NP_057287.2, residues 559-569): AGAKQKETET[Glu569Lys]

ClinVar aggregate classification (germline): Uncertain significance. Review status: criteria provided, multiple submitters, no conflicts (2 of 4 stars). 3 submissions from 3 submitters: Uncertain significance (3). Last evaluated 2023-03-31.

Conditions:
Cardiovascular phenotype. Identifiers: MedGen CN230736.
Lethal congenital glycogen storage disease of heart. Also called: GLYCOGEN STORAGE DISEASE OF HEART; PHOSPHORYLASE KINASE DEFICIENCY OF HEART. Identifiers: Orphanet 439854, MedGen C1849813, MONDO:0009867, OMIM 261740.

Allele frequency attached by ClinVar (database versions not stated): gnomAD exomes below 0.00001; ExAC 0.00001.
gnomAD v4.1: 1 of 1,614,154 alleles (0.000062%); highest among the groups gnomAD compares: South Asian, 0.0011%; no homozygotes.

Submissions (3):

Ambry Genetics
Classification: Uncertain significance for Cardiovascular phenotype. Last evaluated: 2023-03-31. Review status: criteria provided, single submitter. Criteria: Ambry Variant Classification Scheme 2023. Collection method: clinical testing. Allele origin: germline.
Comment: The p.E569K variant (also known as c.1705G>A), located in coding exon 16 of the PRKAG2 gene, results from a G to A substitution at nucleotide position 1705. The glutamic acid at codon 569 is replaced by lysine, an amino acid with similar properties. This amino acid position is conserved. In addition, the in silico prediction for this alteration is inconclusive. Since supporting evidence is limited at this time, the clinical significance of this alteration remains unclear.

Labcorp Genetics (formerly Invitae), Labcorp
Classification: Uncertain significance for Lethal congenital glycogen storage disease of heart. Last evaluated: 2022-10-13. Review status: criteria provided, single submitter. Criteria: Invitae Variant Classification Sherloc (09022015). Collection method: clinical testing. Allele origin: germline.
Comment: This variant has not been reported in the literature in individuals affected with PRKAG2-related conditions. In summary, the available evidence is currently insufficient to determine the role of this variant in disease. Therefore, it has been classified as a Variant of Uncertain Significance. Advanced modeling of protein sequence and biophysical properties (such as structural, functional, and spatial information, amino acid conservation, physicochemical variation, residue mobility, and thermodynamic stability) performed at Invitae indicates that this missense variant is not expected to disrupt PRKAG2 protein function. ClinVar contains an entry for this variant (Variation ID: 181482). This variant is present in population databases (rs730880983, gnomAD 0.003%). This sequence change replaces glutamic acid, which is acidic and polar, with lysine, which is basic and polar, at codon 569 of the PRKAG2 protein (p.Glu569Lys).

GeneDx
Classification: Uncertain significance. Last evaluated: 2013-09-24. Review status: criteria provided, single submitter. Criteria: GeneDx Variant Classification (06012015). Collection method: clinical testing. Allele origin: germline. Affected: yes.
Comment: p.Glu569Lys (GAG>AAG): c.1705 G>A in exon 16 of the PRKAG2 gene (NM_016203.3) The Glu569Lys variant in the PRKAG2 gene has not been reported as a disease-causing mutation or as a benign polymorphism to our knowledge. Glu569Lys results in a non-conservative amino acid substitution of a negatively charged Glutamic acid residue with a positively charged Lysine residue at a position that is conserved across species. The Glu569Lys variant was not observed in approximately 6,500 individuals of European and African American ancestry in the NHLBI Exome Sequencing Project, indicating it is not a common benign variant in these populations. However, in silico analysis was inconsistent with regard to the effect this variant may have on the protein structure/function.. Furthermore, Glu569Lys occurs at the last amino acid of the protein, and no nearby mutations have been reported in association with HCM, indicating this region of the protein may be tolerant of change.With the clinical and molecular information available at this time, we cannot definitively determine if Glu569Lys is a disease-causing mutation or a rare benign variant. The variant is found in HCM panel(s).